The following is an entry in ClinVar:

ClinVar aggregate classification (germline): Likely pathogenic (1 of 4 stars; one submission).

Submission:

GeneDx
Classification: Likely pathogenic. Last evaluated: 2025-04-07. Review status: criteria provided, single submitter. Criteria: GeneDx Variant Classification Process June 2021. Collection method: clinical testing. Allele origin: germline. Affected: yes.
Comment: Not observed at significant frequency in large population cohorts (gnomAD); In silico analysis supports that this missense variant has a deleterious effect on protein structure/function; Has not been previously published as pathogenic or benign to our knowledge

NM_001271.4(CHD2):c.1862G>A (p.Arg621Gln)

Gene: CHD2 (chromodomain helicase DNA binding protein 2; plus strand). Cytogenetic location: 15q26.1.
Variant type: single nucleotide variant.
Coding change: c.1862G>A on transcript NM_001271.4 (MANE Select); coding-DNA position 1862, G replaced by A.
Protein change: p.Arg621Gln; replaces arginine 621 with glutamine.
Molecular consequence: missense variant.
Genome position (GRCh38, 1-based): chr15:92,956,511, G>A. VCF-style: chr15-92956511-G-A. GRCh37 (hg19) VCF-style: chr15-93499741-G-A.
Other names: short protein forms R621Q.
Identifiers: ClinVar variation 4282447 (VCV004282447.1).